The following is an entry in ClinVar:

ClinVar aggregate classification (germline): Pathogenic/Likely pathogenic. Review status: criteria provided, multiple submitters, no conflicts (2 of 4 stars). 2 submissions from 2 submitters: Pathogenic (1); Likely pathogenic (1). Last evaluated 2024-03-14.

Conditions:
Mucopolysaccharidosis, MPS-IV-A (MPS4A). Also called: Mucopolysaccharidosis Type IVA; MPS IVA; MORQUIO A DISEASE; Mucopolysaccharidosis type IV A; GALACTOSAMINE-6-SULFATASE DEFICIENCY; GALNS DEFICIENCY. Identifiers: Orphanet 309297, Orphanet 582, MedGen C0086651, MONDO:0009659, OMIM 253000.

Allele frequency attached by ClinVar (database versions not stated): TOPMed 0.00001.

Submissions (2):

Fulgent Genetics
Classification: Likely pathogenic for Mucopolysaccharidosis, MPS-IV-A. Last evaluated: 2024-03-14. Review status: criteria provided, single submitter. Criteria: ACMG Guidelines, 2015. Collection method: clinical testing. Allele origin: germline.

Labcorp Genetics (formerly Invitae), Labcorp
Classification: Pathogenic for Mucopolysaccharidosis, MPS-IV-A. Last evaluated: 2023-09-21. Review status: criteria provided, single submitter. Criteria: Invitae Variant Classification Sherloc (09022015). Collection method: clinical testing. Allele origin: germline.
Comment: This sequence change affects an acceptor splice site in intron 8 of the GALNS gene. It is expected to disrupt RNA splicing. Variants that disrupt the donor or acceptor splice site typically lead to a loss of protein function (PMID: 16199547), and loss-of-function variants in GALNS are known to be pathogenic (PMID: 12442278). This variant is not present in population databases (gnomAD no frequency). For these reasons, this variant has been classified as Pathogenic. Algorithms developed to predict the effect of sequence changes on RNA splicing suggest that this variant may disrupt the consensus splice site. ClinVar contains an entry for this variant (Variation ID: 944266). Disruption of this splice site has been observed in individual(s) with MPS IVA (PMID: 24120057; Invitae).

Literature cited by the submitters: PubMed 16199547 (cited by Labcorp Genetics (formerly Invitae), Labcorp); PubMed 12442278 (cited by Labcorp Genetics (formerly Invitae), Labcorp); PubMed 24120057 (cited by Labcorp Genetics (formerly Invitae), Labcorp).

NM_000512.5(GALNS):c.899-2A>C

Gene: GALNS (galactosamine (N-acetyl)-6-sulfatase; minus strand). Cytogenetic location: 16q24.3.
Variant type: single nucleotide variant.
Coding change: c.899-2A>C on transcript NM_000512.5 (MANE Select); the canonical splice acceptor site of the intron before coding-DNA position 899, A replaced by C.
Molecular consequence: splice acceptor variant.
Genome position (GRCh38, 1-based): chr16:88,832,103, T>G on the plus strand (A>C on the coding strand, the complement: GALNS is on the minus strand). VCF-style: chr16-88832103-T-G. GRCh37 (hg19) VCF-style: chr16-88898511-T-G.
Other names: c.344-2A>C (NM_001323543.2); c.917-2A>C (NM_001323544.2).
Identifiers: ClinVar variation 944266 (VCV000944266.12), dbSNP rs1165218506, ClinGen allele CA397101529.
Genomic context (GRCh38, chr16:88,832,103, plus strand): 5'-CCTCATCCCTCCTTCAAACGTGGTCTGCTTCCCACACAGAAAGGGGCCGTTGCTGCCACC[T>G]GGGAGAGAGGGGCCCTTGTCAGGCCACTGGGACCAGATGTCCCCAGGCCCTCCCCCTCCC-3'